The following is an entry in ClinVar:

ClinVar aggregate classification (germline): Uncertain significance (1 of 4 stars; one submission).

Conditions:
Perlman syndrome (PRLMNS). Identifiers: Orphanet 2849, MedGen C0796113, MONDO:0009965, OMIM 267000.

Allele frequency attached by ClinVar (database versions not stated): gnomAD exomes below 0.00001; ExAC 0.00001.
gnomAD v4.1: 1 of 1,609,426 alleles (0.000062%); highest among the groups gnomAD compares: Non-Finnish European, 0.000085%; no homozygotes.

Submission:

Labcorp Genetics (formerly Invitae), Labcorp
Classification: Uncertain significance for Perlman syndrome. Last evaluated: 2023-10-25. Review status: criteria provided, single submitter. Criteria: Invitae Variant Classification Sherloc (09022015). Collection method: clinical testing. Allele origin: germline.
Comment: This sequence change replaces glycine, which is neutral and non-polar, with aspartic acid, which is acidic and polar, at codon 864 of the DIS3L2 protein (p.Gly864Asp). This variant is not present in population databases (gnomAD no frequency). This variant has not been reported in the literature in individuals affected with DIS3L2-related conditions. ClinVar contains an entry for this variant (Variation ID: 531931). Algorithms developed to predict the effect of missense changes on protein structure and function output the following: SIFT: "Not Available"; PolyPhen-2: "Benign"; Align-GVGD: "Not Available". The aspartic acid amino acid residue is found in multiple mammalian species, which suggests that this missense change does not adversely affect protein function. In summary, the available evidence is currently insufficient to determine the role of this variant in disease. Therefore, it has been classified as a Variant of Uncertain Significance.

NM_152383.5(DIS3L2):c.2591G>A (p.Gly864Asp)

Gene: DIS3L2 (DIS3 like 3'-5' exoribonuclease 2; plus strand). Cytogenetic location: 2q37.1.
Variant type: single nucleotide variant.
Coding change: c.2591G>A on transcript NM_152383.5 (MANE Select); coding-DNA position 2591, G replaced by A.
Protein change: p.Gly864Asp; replaces glycine 864 with aspartic acid.
Molecular consequence: missense variant. On other transcripts: non-coding transcript variant (2), intron variant (1).
Genome position (GRCh38, 1-based): chr2:232,336,563, G>A. VCF-style: chr2-232336563-G-A. GRCh37 (hg19) VCF-style: chr2-233201273-G-A.
Other names: c.1582-6782G>A (NM_001257281.2); short protein forms G864D.
Identifiers: ClinVar variation 531931 (VCV000531931.10), dbSNP rs746507960, ClinGen allele CA2164622.
Genomic context (GRCh38, chr2:232,336,563, plus strand): 5'-TGCAGGCAGAGTCCACAGCCCTCAAGTACAGCGCCATCCTGAAGCGGCCAGGCACCCAGG[G>A]CCACCTGGGCCCTGAGAAGGAGGAGGAGGAGTCTGACGGTGAGCCCGAGGACTCAAGCAC-3'
Protein context (NP_689596.4, residues 854-874): SAILKRPGTQ[Gly864Asp]HLGPEKEEEE